The following is an entry in ClinVar:

NM_000051.4(ATM):c.4208G>A (p.Ser1403Asn)

Gene: ATM (ATM serine/threonine kinase; plus strand). Cytogenetic location: 11q22.3.
Variant type: single nucleotide variant.
Coding change: c.4208G>A on transcript NM_000051.4 (MANE Select); coding-DNA position 4208, G replaced by A.
Protein change: p.Ser1403Asn; replaces serine 1403 with asparagine.
Molecular consequence: missense variant.
Genome position (GRCh38, 1-based): chr11:108,289,075, G>A. VCF-style: chr11-108289075-G-A. GRCh37 (hg19) VCF-style: chr11-108159802-G-A.
Other names: c.4208G>A, p.Ser1403Asn (NM_001351834.2); short protein forms S1403N.
Identifiers: ClinVar variation 1738700 (VCV001738700.2), dbSNP rs2135753212, ClinGen allele CA382530410.

ClinVar aggregate classification (germline): Uncertain significance (1 of 4 stars; one submission).

Conditions:
Hereditary cancer-predisposing syndrome. Also called: Hereditary Cancer Syndrome; Hereditary neoplastic syndrome; Neoplastic Syndromes, Hereditary; Tumor predisposition. Identifiers: Orphanet 140162, MedGen C0027672, MeSH D009386, MONDO:0015356.

Submission:

Ambry Genetics
Classification: Uncertain significance for Hereditary cancer-predisposing syndrome. Last evaluated: 2020-12-30. Review status: criteria provided, single submitter. Criteria: Ambry Variant Classification Scheme 2023. Collection method: clinical testing. Allele origin: germline.
Comment: The p.S1403N variant (also known as c.4208G>A), located in coding exon 27 of the ATM gene, results from a G to A substitution at nucleotide position 4208. The serine at codon 1403 is replaced by asparagine, an amino acid with highly similar properties. This amino acid position is well conserved in available vertebrate species. In addition, this alteration is predicted to be tolerated by in silico analysis. Since supporting evidence is limited at this time, the clinical significance of this alteration remains unclear.